The following is an entry in ClinVar:

ClinVar aggregate classification (germline): Uncertain significance (1 of 4 stars; one submission).

Conditions:
Hereditary cancer-predisposing syndrome. Also called: Tumor predisposition; Neoplastic Syndromes, Hereditary; Hereditary Cancer Syndrome; Hereditary neoplastic syndrome. Identifiers: Orphanet 140162, MedGen C0027672, MeSH D009386, MONDO:0015356.

Submission:

Ambry Genetics
Classification: Uncertain significance for Hereditary cancer-predisposing syndrome. Last evaluated: 2024-10-11. Review status: criteria provided, single submitter. Criteria: Ambry Variant Classification Scheme 2023. Collection method: clinical testing. Allele origin: germline.
Comment: The p.K151E variant (also known as c.451A>G), located in coding exon 4 of the FANCC gene, results from an A to G substitution at nucleotide position 451. The lysine at codon 151 is replaced by glutamic acid, an amino acid with similar properties. This amino acid position is conserved. In addition, this alteration is predicted to be tolerated by in silico analysis. Based on the available evidence, the clinical significance of this variant remains unclear.

NM_000136.3(FANCC):c.451A>G (p.Lys151Glu)

Gene: FANCC (FA complementation group C; minus strand). Cytogenetic location: 9q22.32.
Variant type: single nucleotide variant.
Coding change: c.451A>G on transcript NM_000136.3 (MANE Select); coding-DNA position 451, A replaced by G.
Protein change: p.Lys151Glu; replaces lysine 151 with glutamic acid.
Molecular consequence: missense variant.
Genome position (GRCh38, 1-based): chr9:95,172,042, T>C on the plus strand (A>G on the coding strand, the complement: FANCC is on the minus strand). VCF-style: chr9-95172042-T-C. GRCh37 (hg19) VCF-style: chr9-97934324-T-C.
Other names: c.451A>G, p.Lys151Glu (NM_001243743.2, NM_001243744.2); short protein forms K151E.
Identifiers: ClinVar variation 3512792 (VCV003512792.1).